The following is an entry in ClinVar:

NM_005546.4(ITK):c.1560_1561delinsTT (p.Pro521Ser)

Gene: ITK (IL2 inducible T cell kinase; plus strand). Cytogenetic location: 5q33.3.
Variant type: Indel.
Coding change: c.1560_1561delinsTT on transcript NM_005546.4 (MANE Select); coding-DNA positions 1560 to 1561, CC replaced by TT.
Protein change: p.Pro521Ser; replaces proline 521 with serine.
Molecular consequence: missense variant.
Genome position (GRCh38, 1-based): chr5:157,245,926-157,245,927, CC replaced by TT. VCF-style: chr5-157245926-CC-TT. GRCh37 (hg19) VCF-style: chr5-156672936-CC-TT.
Other names: c.1560_1561delCCinsTT, p.Pro521Ser (NM_005546.3); short protein forms P521S.
Identifiers: ClinVar variation 4082454 (VCV004082454.2).
Genomic context (GRCh38, chr5:157,245,926, plus strand): 5'-CCACTCTCTTCCCAGGTTCGTTCTGGATGATCAGTACACCAGTTCCACAGGCACCAAATT[CC>TT]CGGTGAAGTGGGCATCCCCAGAGGTTTTCTCTTTCAGTCGCTATAGCAGCAAGTCCGATG-3'
Protein context (NP_005537.3, residues 511-531): QYTSSTGTKF[Pro521Ser]VKWASPEVFS

ClinVar aggregate classification (germline): Uncertain significance (1 of 4 stars; one submission).

Submission:

Genetic Services Laboratory, University of Chicago
Classification: Uncertain significance. Last evaluated: 2024-05-15. Review status: criteria provided, single submitter. Criteria: ACMG Guidelines, 2015. Collection method: clinical testing. Allele origin: germline. Affected: no.
Comment: DNA sequence analysis of the ITK gene demonstrated a deletion and insertion of two base pairs in exon 15, c.1560_1561delinsTT. This in-frame deletion/insertion is predicted to result in a missense change, p.Pro521Ser. This sequence change does not appear to have been previously described in individuals with ITK-related disorders and has also not been described in population databases such as ExAC and gnomAD. The p.Pro521Ser change affects a poorly conserved amino acid residue located in a domain of the ITK protein that is known to be functional. The p.Pro521Ser substitution appears to be deleterious using several in-silico pathogenicity prediction tools (SIFT, PolyPhen2, Align GVGD). Due to insufficient evidence and the lack of functional studies, the clinical significance of the p.Pro521Ser change remains unknown at this time.